The following is an entry in ClinVar:

NM_001127178.3(PIGG):c.2276C>T (p.Ala759Val)

Gene: PIGG (phosphatidylinositol glycan anchor biosynthesis class G (EMM blood group); plus strand). Cytogenetic location: 4p16.3.
Variant type: single nucleotide variant.
Coding change: c.2276C>T on transcript NM_001127178.3 (MANE Select); coding-DNA position 2276, C replaced by T.
Protein change: p.Ala759Val; replaces alanine 759 with valine.
Molecular consequence: missense variant. On other transcripts: non-coding transcript variant (6).
Genome position (GRCh38, 1-based): chr4:530,450, C>T. VCF-style: chr4-530450-C-T. GRCh37 (hg19) VCF-style: chr4-524239-C-T.
Other names: c.2009C>T, p.Ala670Val (NM_001289051.2, NM_001345986.2); c.1877C>T, p.Ala626Val (NM_001289052.2); c.1985C>T, p.Ala662Val (NM_001345987.2); c.1247C>T, p.Ala416Val (NM_001345988.2); c.743C>T, p.Ala248Val (NM_001345990.2, NM_001345991.2); c.1178C>T, p.Ala393Val (NM_001345994.2); c.2252C>T, p.Ala751Val (NM_017733.5); short protein forms A393V, A416V, A626V, A751V, A759V, A248V, A662V, A670V.
Identifiers: ClinVar variation 1440084 (VCV001440084.6), dbSNP rs2109014084, ClinGen allele CA355909554.

ClinVar aggregate classification (germline): Uncertain significance (1 of 4 stars; one submission).

Conditions:
Intellectual disability, autosomal recessive 53 (NEDHSCA). Also called: GLYCOSYLPHOSPHATIDYLINOSITOL BIOSYNTHESIS DEFECT 13; Mental retardation, autosomal recessive 53; NEURODEVELOPMENTAL DISORDER WITH OR WITHOUT HYPOTONIA, SEIZURES, AND CEREBELLAR ATROPHY. Identifiers: Orphanet 488635, MedGen C4310794, MONDO:0014832, OMIM 616917.

Submission:

Labcorp Genetics (formerly Invitae), Labcorp
Classification: Uncertain significance for Intellectual disability, autosomal recessive 53. Last evaluated: 2022-02-04. Review status: criteria provided, single submitter. Criteria: Invitae Variant Classification Sherloc (09022015). Collection method: clinical testing. Allele origin: germline.
Comment: In summary, the available evidence is currently insufficient to determine the role of this variant in disease. Therefore, it has been classified as a Variant of Uncertain Significance. Algorithms developed to predict the effect of sequence changes on RNA splicing suggest that this variant may create or strengthen a splice site. Algorithms developed to predict the effect of missense changes on protein structure and function are either unavailable or do not agree on the potential impact of this missense change (SIFT: "Tolerated"; PolyPhen-2: "Probably Damaging"; Align-GVGD: "Class C0"). This variant has not been reported in the literature in individuals affected with PIGG-related conditions. This variant is not present in population databases (gnomAD no frequency). This sequence change replaces alanine, which is neutral and non-polar, with valine, which is neutral and non-polar, at codon 759 of the PIGG protein (p.Ala759Val).